The following is an entry in ClinVar:

ClinVar aggregate classification (germline): Likely benign (1 of 4 stars; one submission).

gnomAD v4.1: 2 of 1,614,234 alleles (0.00012%); highest among the groups gnomAD compares: Non-Finnish European, 0.00017%; no homozygotes.

Submission:

CeGaT Center for Human Genetics Tuebingen
Classification: Likely benign. Last evaluated: 2024-10-01. Review status: criteria provided, single submitter. Criteria: CeGaT Center For Human Genetics Tuebingen Variant Classification Criteria Version 2. Collection method: clinical testing. Allele origin: germline. Affected: yes. Observed: 1 variant allele.
Comment: NEUROD1: BP4, BP7

NM_002500.5(NEUROD1):c.474C>T (p.Arg158=)

Gene: NEUROD1 (neuronal differentiation 1; minus strand). Cytogenetic location: 2q31.3.
Variant type: single nucleotide variant.
Coding change: c.474C>T on transcript NM_002500.5 (MANE Select); coding-DNA position 474, C replaced by T.
Protein change: p.Arg158=; no amino-acid change (arginine 158 retained).
Molecular consequence: synonymous variant.
Genome position (GRCh38, 1-based): chr2:181,678,387, G>A on the plus strand (C>T on the coding strand, the complement: NEUROD1 is on the minus strand). VCF-style: chr2-181678387-G-A. GRCh37 (hg19) VCF-style: chr2-182543114-G-A.
Identifiers: ClinVar variation 3389091 (VCV003389091.14).